The following is an entry in ClinVar:

NM_001378454.1(ALMS1):c.11212C>T (p.Arg3738Trp)

Gene: ALMS1 (ALMS1 centrosome and basal body associated protein; plus strand). Cytogenetic location: 2p13.1.
Variant type: single nucleotide variant.
Coding change: c.11212C>T on transcript NM_001378454.1 (MANE Select); coding-DNA position 11212, C replaced by T.
Protein change: p.Arg3738Trp; replaces arginine 3738 with tryptophan.
Molecular consequence: missense variant.
Genome position (GRCh38, 1-based): chr2:73,573,089, C>T. VCF-style: chr2-73573089-C-T. GRCh37 (hg19) VCF-style: chr2-73800216-C-T.
Other names: c.11215C>T, p.Arg3739Trp (NM_015120.4); short protein forms R3739W, R3738W.
Identifiers: ClinVar variation 2053667 (VCV002053667.4), dbSNP rs372099986, ClinGen allele CA50386858.

ClinVar aggregate classification (germline): Uncertain significance. Review status: criteria provided, multiple submitters, no conflicts (2 of 4 stars). 2 submissions from 2 submitters: Uncertain significance (2). Last evaluated 2024-11-08.

Conditions:
Alstrom syndrome (ALMS). Identifiers: Orphanet 64, MedGen C0268425, MONDO:0008763, OMIM 203800.

gnomAD v4.1: 8 of 1,613,968 alleles (0.0005%); highest among the groups gnomAD compares: South Asian, 0.0033%; no homozygotes.

Submissions (2):

Women's Health and Genetics/Laboratory Corporation of America, LabCorp
Classification: Uncertain significance. Last evaluated: 2024-11-08. Review status: criteria provided, single submitter. Criteria: LabCorp Variant Classification Summary - May 2015. Collection method: clinical testing. Allele origin: germline.

Labcorp Genetics (formerly Invitae), Labcorp
Classification: Uncertain significance for Alstrom syndrome. Last evaluated: 2022-04-15. Review status: criteria provided, single submitter. Criteria: Invitae Variant Classification Sherloc (09022015). Collection method: clinical testing. Allele origin: germline.
Comment: This sequence change replaces arginine, which is basic and polar, with tryptophan, which is neutral and slightly polar, at codon 3739 of the ALMS1 protein (p.Arg3739Trp). This variant is not present in population databases (gnomAD no frequency). This variant has not been reported in the literature in individuals affected with ALMS1-related conditions. Experimental studies and prediction algorithms are not available or were not evaluated, and the functional significance of this variant is currently unknown. In summary, the available evidence is currently insufficient to determine the role of this variant in disease. Therefore, it has been classified as a Variant of Uncertain Significance.